The following is an entry in ClinVar:

NM_000090.4(COL3A1):c.3840C>A (p.Asp1280Glu)

Gene: COL3A1 (collagen type III alpha 1 chain; plus strand). Cytogenetic location: 2q32.2.
Variant type: single nucleotide variant.
Coding change: c.3840C>A on transcript NM_000090.4 (MANE Select); coding-DNA position 3840, C replaced by A.
Protein change: p.Asp1280Glu; replaces aspartic acid 1280 with glutamic acid.
Molecular consequence: missense variant.
Genome position (GRCh38, 1-based): chr2:189,010,194, C>A. VCF-style: chr2-189010194-C-A. GRCh37 (hg19) VCF-style: chr2-189874920-C-A.
Other names: short protein forms D1280E.
Identifiers: ClinVar variation 3603005 (VCV003603005.1).
Genomic context (GRCh38, chr2:189,010,194, plus strand): 5'-CTGGATTTTATAACCAATTCCCATTCTTTTTTGTGACTATTCAGGAGAATACTGGGTTGA[C>A]CCTAACCAAGGATGCAAATTGGATGCTATCAAGGTATTCTGTAATATGGAAACTGGGGAA-3'
Protein context (NP_000081.2, residues 1270-1290): PELKSGEYWV[Asp1280Glu]PNQGCKLDAI

ClinVar aggregate classification (germline): Uncertain significance (1 of 4 stars; one submission).

Submission:

GeneDx
Classification: Uncertain significance. Last evaluated: 2024-08-07. Review status: criteria provided, single submitter. Criteria: GeneDx Variant Classification Process June 2021. Collection method: clinical testing. Allele origin: germline. Affected: yes.
Comment: Has not been previously published as pathogenic or benign to our knowledge; Not observed at significant frequency in large population cohorts (gnomAD); In silico analysis supports that this missense variant has a deleterious effect on protein structure/function; Not located in the triple helical region, where the majority of pathogenic missense variants occur (HGMD)